The following is an entry in ClinVar:

NM_001852.4(COL9A2):c.1402-1G>A

Gene: COL9A2 (collagen type IX alpha 2 chain; minus strand). Cytogenetic location: 1p34.2.
Variant type: single nucleotide variant.
Coding change: c.1402-1G>A on transcript NM_001852.4 (MANE Select); the canonical splice acceptor site of the intron before coding-DNA position 1402, G replaced by A.
Molecular consequence: splice acceptor variant.
Genome position (GRCh38, 1-based): chr1:40,303,677, C>T on the plus strand (G>A on the coding strand, the complement: COL9A2 is on the minus strand). VCF-style: chr1-40303677-C-T. GRCh37 (hg19) VCF-style: chr1-40769349-C-T.
Identifiers: ClinVar variation 2719071 (VCV002719071.3), dbSNP rs1273316951, ClinGen allele CA339878997.

ClinVar aggregate classification (germline): Uncertain significance (1 of 4 stars; one submission).

Allele frequency attached by ClinVar (database versions not stated): TOPMed 0.00001.

Submission:

Labcorp Genetics (formerly Invitae), Labcorp
Classification: Uncertain significance. Last evaluated: 2023-06-18. Review status: criteria provided, single submitter. Criteria: Invitae Variant Classification Sherloc (09022015). Collection method: clinical testing. Allele origin: germline.
Comment: This sequence change affects an acceptor splice site in intron 27 of the COL9A2 gene. It is expected to disrupt RNA splicing. Variants that disrupt the donor or acceptor splice site typically lead to a loss of protein function (PMID: 16199547), however it is unknown whether splice variants in this region will result in a loss of function. This variant is not present in population databases (gnomAD no frequency). This variant has not been reported in the literature in individuals affected with COL9A2-related conditions. Algorithms developed to predict the effect of sequence changes on RNA splicing suggest that this variant may disrupt the consensus splice site. In summary, the available evidence is currently insufficient to determine the role of this variant in disease. Therefore, it has been classified as a Variant of Uncertain Significance.

Literature cited by the submitters: PubMed 16199547.